The following is an entry in ClinVar:

ClinVar aggregate classification (germline): Uncertain significance. Review status: criteria provided, multiple submitters, no conflicts (2 of 4 stars). 3 submissions from 3 submitters: Uncertain significance (3). Last evaluated 2023-12-11.

Conditions:
Hereditary breast ovarian cancer syndrome. Also called: BRCA1- and BRCA2-Associated Hereditary Breast and Ovarian Cancer; Hereditary breast and ovarian cancer; Hereditary breast and ovarian cancer syndrome (HBOC); Breast and ovarian cancer; Hereditary breast and ovarian cancer syndrome; Hereditary breast and/or ovarian cancer syndrome. Identifiers: Orphanet 145, MedGen C0677776, MeSH D061325, MONDO:0003582. Disease mechanism: loss of function.
Hereditary cancer-predisposing syndrome. Also called: Hereditary neoplastic syndrome; Tumor predisposition; Hereditary Cancer Syndrome; Neoplastic Syndromes, Hereditary. Identifiers: Orphanet 140162, MedGen C0027672, MeSH D009386, MONDO:0015356.

Submissions (3):

Labcorp Genetics (formerly Invitae), Labcorp
Classification: Uncertain significance for Hereditary breast ovarian cancer syndrome. Last evaluated: 2023-12-11. Review status: criteria provided, single submitter. Criteria: Invitae Variant Classification Sherloc (09022015). Collection method: clinical testing. Allele origin: germline.
Comment: This sequence change replaces glutamine, which is neutral and polar, with lysine, which is basic and polar, at codon 494 of the BRCA1 protein (p.Gln494Lys). This variant is not present in population databases (gnomAD no frequency). This missense change has been observed in individual(s) with breast cancer as well as unaffected individuals (PMID: 27039803). Advanced modeling of protein sequence and biophysical properties (such as structural, functional, and spatial information, amino acid conservation, physicochemical variation, residue mobility, and thermodynamic stability) performed at Invitae indicates that this missense variant is not expected to disrupt BRCA1 protein function with a negative predictive value of 95%. In summary, the available evidence is currently insufficient to determine the role of this variant in disease. Therefore, it has been classified as a Variant of Uncertain Significance.

Ambry Genetics
Classification: Uncertain significance for Hereditary cancer-predisposing syndrome. Last evaluated: 2023-09-12. Review status: criteria provided, single submitter. Criteria: Ambry Variant Classification Scheme 2023. Collection method: clinical testing. Allele origin: germline.
Comment: The p.Q494K variant (also known as c.1480C>A), located in coding exon 9 of the BRCA1 gene, results from a C to A substitution at nucleotide position 1480. The glutamine at codon 494 is replaced by lysine, an amino acid with similar properties. This alteration has been reported in both cases with breast cancer and healthy controls in a study of individuals from Indonesia (Mundhofir FE et al. Asian Pac J Cancer Prev, 2016;17:1539-46). This amino acid position is not well conserved in available vertebrate species. In addition, the in silico prediction for this alteration is inconclusive. Since supporting evidence is limited at this time, the clinical significance of this alteration remains unclear.

Color Diagnostics, LLC DBA Color Health
Classification: Uncertain significance for Hereditary cancer-predisposing syndrome. Last evaluated: 2021-08-25. Review status: criteria provided, single submitter. Criteria: ACMG Guidelines, 2015. Collection method: clinical testing. Allele origin: germline.
Comment: This missense variant replaces glutamine with lysine at codon 494 of the BRCA1 protein. Computational prediction is inconclusive regarding the impact of this variant on protein structure and function (internally defined REVEL score threshold 0.5 < inconclusive < 0.7, PMID: 27666373). To our knowledge, functional studies have not been reported for this variant. This variant has been detected in three individuals affected with early-onset or familial breast cancer and also in eight unaffected individuals (PMID: 27039803). This variant has not been identified in the general population by the Genome Aggregation Database (gnomAD). The available evidence is insufficient to determine the role of this variant in disease conclusively. Therefore, this variant is classified as a Variant of Uncertain Significance.

Literature cited by the submitters: PubMed 27039803 (cited by 3 submitters).

NM_007294.4(BRCA1):c.1480C>A (p.Gln494Lys)

Gene: BRCA1 (BRCA1 DNA repair associated; minus strand). Cytogenetic location: 17q21.31.
Variant type: single nucleotide variant.
Coding change: c.1480C>A on transcript NM_007294.4 (MANE Select); coding-DNA position 1480, C replaced by A.
Protein change: p.Gln494Lys; replaces glutamine 494 with lysine.
Molecular consequence: missense variant. On other transcripts: intron variant (137).
Genome position (GRCh38, 1-based): chr17:43,094,051, G>T on the plus strand (C>A on the coding strand, the complement: BRCA1 is on the minus strand). VCF-style: chr17-43094051-G-T. GRCh37 (hg19) VCF-style: chr17-41246068-G-T.
Other names: c.1339C>A, p.Gln447Lys (NM_001407734.1, NM_001407735.1, NM_001407736.1 and 29 more transcripts); c.1336C>A, p.Gln446Lys (NM_001407740.1, NM_001407741.1, NM_001407742.1 and 20 more transcripts); c.1267C>A, p.Gln423Lys (NM_001407853.1, NM_001407894.1, NM_001407895.1 and 9 more transcripts); c.1480C>A, p.Gln494Lys (NM_001407854.1, NM_001407858.1, NM_001407859.1 and 30 more transcripts); c.1477C>A, p.Gln493Lys (NM_001407860.1, NM_001407861.1, NM_001407587.1 and 22 more transcripts); c.1279C>A, p.Gln427Lys (NM_001407862.1); c.1357C>A, p.Gln453Lys (NM_001407863.1, NM_001407919.1, NM_001407937.1 and 19 more transcripts); c.1276C>A, p.Gln426Lys (NM_001407874.1, NM_001407875.1); and 40 more; short protein forms Q198K, Q326K, Q366K, Q405K, Q406K, Q426K, Q493K, Q383K.
Identifiers: ClinVar variation 2585849 (VCV002585849.6), dbSNP rs80357010, ClinGen allele CA10599088.